The following is an entry in ClinVar:

NM_001267550.2(TTN):c.106768_106769inv (p.His35590Cys)

Genes: TTN (titin; minus strand), TTN-AS1 (TTN antisense RNA 1; plus strand). Cytogenetic location: 2q31.2.
Variant type: Inversion.
Coding change: c.106768_106769inv on transcript NM_001267550.2 (MANE Select).
Protein change: p.His35590Cys; replaces histidine 35590 with cysteine.
Molecular consequence: missense variant.
Genome position: GRCh38 VCF-style: chr2-178528982-TG-CA. GRCh37 (hg19) VCF-style: chr2-179393709-TG-CA.
Other names: c.101845_101846inv, p.His33949Cys (NM_001256850.1); c.79573_79574inv, p.His26525Cys (NM_003319.4); c.99064_99065inv, p.His33022Cys (NM_133378.4); c.79948_79949inv, p.His26650Cys (NM_133432.3); c.80149_80150inv, p.His26717Cys (NM_133437.4); short protein forms H26650C, H35590C, H26525C, H33022C, H26717C, H33949C.
Identifiers: ClinVar variation 4792340 (VCV004792340.1).

ClinVar aggregate classification (germline): Uncertain significance (1 of 4 stars; one submission).

Conditions:
Autosomal recessive limb-girdle muscular dystrophy type 2J (LGMDR10). Also called: Limb-girdle muscular dystrophy, type 2J; MUSCULAR DYSTROPHY, LIMB-GIRDLE, AUTOSOMAL RECESSIVE 10. Identifiers: Orphanet 140922, MedGen C1837342, MONDO:0012127, OMIM 608807.
Dilated cardiomyopathy 1G (CMD1G). Identifiers: Orphanet 154, MedGen C1858763, MONDO:0011400, OMIM 604145.

Submission:

Labcorp Genetics (formerly Invitae), Labcorp
Classification: Uncertain significance for Dilated cardiomyopathy 1G; Autosomal recessive limb-girdle muscular dystrophy type 2J. Last evaluated: 2025-09-14. Review status: criteria provided, single submitter. Criteria: Invitae Variant Classification Sherloc (09022015). Collection method: clinical testing. Allele origin: germline.
Comment: This sequence change replaces histidine, which is basic and polar, with cysteine, which is neutral and slightly polar, at codon 35590 of the TTN protein (p.His35590Cys). Information on the frequency of this variant in the gnomAD database is not available, as this variant may be reported differently in the database. This variant has not been reported in the literature in individuals affected with TTN-related conditions. Experimental studies and prediction algorithms are not available or were not evaluated, and the functional significance of this variant is currently unknown. This variant is located in the M band of TTN (PMID: 25589632). Non-truncating variants in this region may be relevant for neuromuscular disorders, but have not been definitively shown to cause cardiomyopathy (PMID: 23975875). In summary, the available evidence is currently insufficient to determine the role of this variant in disease. Therefore, it has been classified as a Variant of Uncertain Significance.

Literature cited by the submitters: PubMed 25589632; PubMed 23975875.